The following is an entry in ClinVar:

NM_004174.4(SLC9A3):c.316G>A (p.Ala106Thr)

Gene: SLC9A3 (solute carrier family 9 member A3). Cytogenetic location: 5p15.33.
Variant type: single nucleotide variant.
Coding change: c.316G>A on transcript NM_004174.4 (MANE Select); coding-DNA position 316, G replaced by A.
Protein change: p.Ala106Thr; replaces alanine 106 with threonine.
Molecular consequence: missense variant.
Genome position (GRCh38, 1-based): chr5:491,967, C>T on the plus strand (G>A on the coding strand, the complement: SLC9A3 is on the minus strand). VCF-style: chr5-491967-C-T. GRCh37 (hg19) VCF-style: chr5-492082-C-T.
Other names: c.316G>A, p.Ala106Thr (NM_001284351.3); short protein forms A106T.
Identifiers: ClinVar variation 2071205 (VCV002071205.3), dbSNP rs1423288785, ClinGen allele CA359031491.
Genomic context (GRCh38, chr5:491,967, plus strand): 5'-CCAGCACGATGGGGGGCAGCAGGTAGAAGAAGAAGACGGTGGGCGTCAGTGTGAAGGACG[C>T]GATGTGGTCGGCCGCCCAGACGATGCCGCCCAGCACCAGGCCCAGCACGATGAGCAGGGC-3'
Protein context (NP_004165.2, residues 96-116): GGIVWAADHI[Ala106Thr]SFTLTPTVFF

ClinVar aggregate classification (germline): Uncertain significance (1 of 4 stars; one submission).

Allele frequency attached by ClinVar (database versions not stated): gnomAD exomes 0.00002; TOPMed 0.00002.
gnomAD v4.1: 29 of 1,607,290 alleles (0.0018%); highest among the groups gnomAD compares: African/African-American, 0.0054%; no homozygotes.

Submission:

Labcorp Genetics (formerly Invitae), Labcorp
Classification: Uncertain significance. Last evaluated: 2023-06-13. Review status: criteria provided, single submitter. Criteria: Invitae Variant Classification Sherloc (09022015). Collection method: clinical testing. Allele origin: germline.
Comment: In summary, the available evidence is currently insufficient to determine the role of this variant in disease. Therefore, it has been classified as a Variant of Uncertain Significance. Advanced modeling of protein sequence and biophysical properties (such as structural, functional, and spatial information, amino acid conservation, physicochemical variation, residue mobility, and thermodynamic stability) performed at Invitae indicates that this missense variant is not expected to disrupt SLC9A3 protein function. ClinVar contains an entry for this variant (Variation ID: 2071205). This variant has not been reported in the literature in individuals affected with SLC9A3-related conditions. The frequency data for this variant in the population databases is considered unreliable, as metrics indicate poor data quality at this position in the gnomAD database. This sequence change replaces alanine, which is neutral and non-polar, with threonine, which is neutral and polar, at codon 106 of the SLC9A3 protein (p.Ala106Thr).